The following is an entry in ClinVar:

NM_001243133.2(NLRP3):c.1437A>T (p.Lys479Asn)

Gene: NLRP3 (NLR family pyrin domain containing 3; plus strand). Cytogenetic location: 1q44.
Variant type: single nucleotide variant.
Coding change: c.1437A>T on transcript NM_001243133.2 (MANE Select); coding-DNA position 1437, A replaced by T.
Protein change: p.Lys479Asn; replaces lysine 479 with asparagine.
Molecular consequence: missense variant.
Genome position (GRCh38, 1-based): chr1:247,424,886, A>T. VCF-style: chr1-247424886-A-T. GRCh37 (hg19) VCF-style: chr1-247588188-A-T.
Other names: c.1437A>T, p.Lys479Asn (NM_001079821.3, NM_001127461.3, NM_001127462.3 and 1 more transcripts); c.1443A>T, p.Lys481Asn (NM_004895.5); short protein forms K479N, K481N.
Identifiers: ClinVar variation 2419632 (VCV002419632.7), dbSNP rs2527270643, ClinGen allele CA345556885.

ClinVar aggregate classification (germline): Uncertain significance. Review status: criteria provided, multiple submitters, no conflicts (2 of 4 stars). 2 submissions from 2 submitters: Uncertain significance (2). Last evaluated 2024-04-23.

Conditions:
Familial amyloid nephropathy with urticaria AND deafness (MWS). Also called: Urticaria, deafness and amyloidosis; CRYOPYRIN-ASSOCIATED PERIODIC SYNDROME 2; UDA SYNDROME; URTICARIA-DEAFNESS-AMYLOIDOSIS SYNDROME; MUCKLE-WELLS SYNDROME. Identifiers: Orphanet 575, MedGen C0268390, MONDO:0008633, OMIM 191900.
Familial cold autoinflammatory syndrome 1 (FCAS1). Also called: CRYOPYRIN-ASSOCIATED PERIODIC SYNDROME 1; Familial cold inflammatory syndrome 1. Identifiers: Orphanet 47045, MedGen C4551895, MONDO:0007349, OMIM 120100.
Chronic infantile neurological, cutaneous and articular syndrome (CINCA). Also called: CINCA syndrome; Prieur Griscelli syndrome; CRYOPYRIN-ASSOCIATED PERIODIC SYNDROME 3; CHRONIC NEUROLOGIC CUTANEOUS AND ARTICULAR SYNDROME. Identifiers: Orphanet 1451, MedGen C0409818, MONDO:0011776, OMIM 607115.
Keratitis fugax hereditaria. Also called: KERATOENDOTHELIITIS FUGAX HEREDITARIA. Identifiers: Orphanet 647815, MedGen C1835697, MONDO:0007849, OMIM 148200.
Hearing loss, autosomal dominant 34, with or without inflammation. Also called: DEAFNESS, AUTOSOMAL DOMINANT 34, WITH OR WITHOUT INFLAMMATION. Identifiers: MedGen C4521680, MONDO:0033261, OMIM 617772.
Cryopyrin associated periodic syndrome (CAPS). Identifiers: Orphanet 208650, MedGen C2316212, MONDO:0016168.

Allele frequency attached by ClinVar (database versions not stated): gnomAD exomes 0.00001.
gnomAD v4.1: 3 of 1,610,136 alleles (0.00019%); highest among the groups gnomAD compares: Non-Finnish European, 0.00025%; no homozygotes.

Submissions (2):

Fulgent Genetics
Classification: Uncertain significance for Familial cold autoinflammatory syndrome 1; Keratitis fugax hereditaria; Familial amyloid nephropathy with urticaria AND deafness; Chronic infantile neurological, cutaneous and articular syndrome; Hearing loss, autosomal dominant 34, with or without inflammation. Last evaluated: 2024-04-23. Review status: criteria provided, single submitter. Criteria: ACMG Guidelines, 2015. Collection method: clinical testing. Allele origin: germline.

Labcorp Genetics (formerly Invitae), Labcorp
Classification: Uncertain significance for Cryopyrin associated periodic syndrome. Last evaluated: 2022-11-14. Review status: criteria provided, single submitter. Criteria: Invitae Variant Classification Sherloc (09022015). Collection method: clinical testing. Allele origin: germline.
Comment: This sequence change replaces lysine, which is basic and polar, with asparagine, which is neutral and polar, at codon 481 of the NLRP3 protein (p.Lys481Asn). This variant is not present in population databases (gnomAD no frequency). This variant has not been reported in the literature in individuals affected with NLRP3-related conditions. Advanced modeling of protein sequence and biophysical properties (such as structural, functional, and spatial information, amino acid conservation, physicochemical variation, residue mobility, and thermodynamic stability) has been performed at Invitae for this missense variant, however the output from this modeling did not meet the statistical confidence thresholds required to predict the impact of this variant on NLRP3 protein function. In summary, the available evidence is currently insufficient to determine the role of this variant in disease. Therefore, it has been classified as a Variant of Uncertain Significance.